The following is an entry in ClinVar:

NM_003001.5(SDHC):c.332C>T (p.Ala111Val)

Gene: SDHC (succinate dehydrogenase complex subunit C; plus strand). Cytogenetic location: 1q23.3.
Variant type: single nucleotide variant.
Coding change: c.332C>T on transcript NM_003001.5 (MANE Select); coding-DNA position 332, C replaced by T.
Protein change: p.Ala111Val; replaces alanine 111 with valine.
Molecular consequence: missense variant. On other transcripts: non-coding transcript variant (1), intron variant (3).
Genome position (GRCh38, 1-based): chr1:161,356,767, C>T. VCF-style: chr1-161356767-C-T. GRCh37 (hg19) VCF-style: chr1-161326557-C-T.
Other names: c.230C>T, p.Ala77Val (NM_001035512.3); c.173C>T, p.Ala58Val (NM_001035513.3); c.452C>T, p.Ala151Val (NM_001407115.1); c.275C>T, p.Ala92Val (NM_001407116.1); c.269C>T, p.Ala90Val (NM_001407117.1); c.224C>T, p.Ala75Val (NM_001407118.1); c.221C>T, p.Ala74Val (NM_001407119.1, NM_001407120.1); c.242-5562C>T (NM_001035511.3); and 2 more; short protein forms A58V, A111V, A151V, A74V, A77V, A75V, A90V, A92V.
Identifiers: ClinVar variation 2951426 (VCV002951426.3), dbSNP rs2102370921, ClinGen allele CA343456517.

ClinVar aggregate classification (germline): Uncertain significance (1 of 4 stars; one submission).

Conditions:
Gastrointestinal stromal tumor. Also called: Gastrointestinal stromal tumor, somatic; Gastrointestinal stroma tumor. Identifiers: Orphanet 44890, MedGen C0238198, MeSH D046152, MONDO:0011719, OMIM 606764, HP:0100723.
Pheochromocytoma/paraganglioma syndrome 3. Also called: GLOMUS TUMORS, FAMILIAL, 3; Paragangliomas 3; SDHC-Related Hereditary Paraganglioma-Pheochromocytoma Syndrome (Paragangliomas 3); SDHC-Related Hereditary Paraganglioma-Pheochromocytoma Syndrome. Identifiers: Orphanet 29072, MedGen C1854336, MONDO:0011544, OMIM 605373.

Submission:

Labcorp Genetics (formerly Invitae), Labcorp
Classification: Uncertain significance for Pheochromocytoma/paraganglioma syndrome 3; Gastrointestinal stromal tumor. Last evaluated: 2025-03-23. Review status: criteria provided, single submitter. Criteria: Invitae Variant Classification Sherloc (09022015). Collection method: clinical testing. Allele origin: germline.
Comment: This sequence change replaces alanine, which is neutral and non-polar, with valine, which is neutral and non-polar, at codon 111 of the SDHC protein (p.Ala111Val). This variant is not present in population databases (gnomAD no frequency). This variant has not been reported in the literature in individuals affected with SDHC-related conditions. ClinVar contains an entry for this variant (Variation ID: 2951426). An algorithm developed to predict the effect of missense changes on protein structure and function outputs the following: PolyPhen-2: "Benign". The valine amino acid residue is found in multiple mammalian species, which suggests that this missense change does not adversely affect protein function. In summary, the available evidence is currently insufficient to determine the role of this variant in disease. Therefore, it has been classified as a Variant of Uncertain Significance.